The following is an entry in ClinVar:

ClinVar aggregate classification (germline): Uncertain significance (1 of 4 stars; one submission).

Conditions:
Inborn genetic diseases. Identifiers: MedGen C0950123, MeSH D030342.

Submission:

Ambry Genetics
Classification: Uncertain significance for Inborn genetic diseases. Last evaluated: 2026-04-15. Review status: criteria provided, single submitter. Criteria: Ambry Variant Classification Scheme 2023. Collection method: clinical testing. Allele origin: germline.
Comment: The c.2597T>C (p.L866P) alteration is located in exon 20 (coding exon 19) of the PLEKHG5 gene. This alteration results from a T to C substitution at nucleotide position 2597, causing the leucine (L) at amino acid position 866 to be replaced by a proline (P). Based on data from gnomAD, the C allele has an overall frequency of <0.001% (1/236944) total alleles studied. The highest observed frequency was 0.007% (1/14798) of African alleles. Based on insufficient or conflicting evidence, the clinical significance of this alteration remains unclear.

NM_020631.6(PLEKHG5):c.2597T>C (p.Leu866Pro)

Gene: PLEKHG5 (pleckstrin homology and RhoGEF domain containing G5; minus strand). Cytogenetic location: 1p36.31.
Variant type: single nucleotide variant.
Coding change: c.2597T>C on transcript NM_020631.6 (MANE Select); coding-DNA position 2597, T replaced by C.
Protein change: p.Leu866Pro; replaces leucine 866 with proline.
Molecular consequence: missense variant.
Genome position (GRCh38, 1-based): chr1:6,468,239, A>G on the plus strand (T>C on the coding strand, the complement: PLEKHG5 is on the minus strand). VCF-style: chr1-6468239-A-G. GRCh37 (hg19) VCF-style: chr1-6528299-A-G.
Other names: c.2708T>C, p.Leu903Pro (NM_001042663.3, NM_001265592.2); c.2597T>C, p.Leu866Pro (NM_001042664.2, NM_001042665.2, NM_001265594.3 and 1 more transcripts); c.2804T>C, p.Leu935Pro (NM_001265593.2); short protein forms L866P, L903P, L935P.
Identifiers: ClinVar variation 4862056 (VCV004862056.1).